The following is an entry in ClinVar:

NM_152384.3(BBS5):c.791G>T (p.Gly264Val)

Gene: BBS5 (Bardet-Biedl syndrome 5; plus strand). Cytogenetic location: 2q31.1.
Variant type: single nucleotide variant.
Coding change: c.791G>T on transcript NM_152384.3 (MANE Select); coding-DNA position 791, G replaced by T.
Protein change: p.Gly264Val; replaces glycine 264 with valine.
Molecular consequence: missense variant.
Genome position (GRCh38, 1-based): chr2:169,499,595, G>T. VCF-style: chr2-169499595-G-T. GRCh37 (hg19) VCF-style: chr2-170356105-G-T.
Other names: short protein forms G264V.
Identifiers: ClinVar variation 1333336 (VCV001333336.1), dbSNP rs1574342816, ClinGen allele CA349167483.

ClinVar aggregate classification (germline): Uncertain significance (1 of 4 stars; one submission).

Conditions:
Bardet-Biedl syndrome 5 (BBS5). Identifiers: Orphanet 110, MedGen C3892039, MONDO:0014434, OMIM 615983.

Allele frequency attached by ClinVar (database versions not stated): gnomAD exomes below 0.00001.
gnomAD v4.1: 1 of 1,613,928 alleles (0.000062%); highest among the groups gnomAD compares: East Asian, 0.0022%; no homozygotes.

Submission:

3billion
Classification: Uncertain significance for Bardet-Biedl syndrome 5. Last evaluated: 2022-01-03. Review status: criteria provided, single submitter. Criteria: ACMG Guidelines, 2015. Collection method: clinical testing. Allele origin: germline. Affected: yes. Observed: 1 heterozygote.
Comment: A different missense change at the same codon has been reported to be associated with BBS5 related disorder (PMID:26766544, PM5_P).It is not observed in the gnomAD v2.1.1 dataset (PM2_M). In silico tool predictions suggest damaging effect of the variant on gene or gene product (REVEL: 0.949, PP3_P). Therefore, this variant is classified as uncertain significance according to the recommendation of ACMG/AMP guideline.

Literature cited by the submitters: PubMed 26766544.